The following is an entry in ClinVar:

ClinVar aggregate classification (germline): Uncertain significance. Review status: criteria provided, multiple submitters, no conflicts (2 of 4 stars). 4 submissions from 4 submitters: Uncertain significance (4). Last evaluated 2024-11-18.

Conditions:
Fanconi anemia complementation group P. Also called: SLX4-Related Fanconi Anemia. Identifiers: Orphanet 84, MedGen C3469542, MONDO:0013499, OMIM 613951.
Fanconi anemia (FA). Also called: Fanconi's anemia. Identifiers: Orphanet 84, MedGen C0015625, MeSH D005199, MONDO:0019391.

Allele frequency attached by ClinVar (database versions not stated): gnomAD exomes 0.00003 and 0.00008; ExAC 0.00007; TOPMed 0.00027; gnomAD 0.00035 and 0.00036; 1000 Genomes Project 0.00040; 1000 Genomes Project 30x 0.00047.

Submissions (4):

Labcorp Genetics (formerly Invitae), Labcorp
Classification: Uncertain significance for Fanconi anemia. Last evaluated: 2024-11-18. Review status: criteria provided, single submitter. Criteria: Invitae Variant Classification Sherloc (09022015). Collection method: clinical testing. Allele origin: germline.
Comment: This sequence change replaces glutamic acid, which is acidic and polar, with valine, which is neutral and non-polar, at codon 1224 of the SLX4 protein (p.Glu1224Val). This variant is present in population databases (rs566584111, gnomAD 0.1%). This variant has not been reported in the literature in individuals affected with SLX4-related conditions. ClinVar contains an entry for this variant (Variation ID: 456312). An algorithm developed to predict the effect of missense changes on protein structure and function (PolyPhen-2) suggests that this variant is likely to be disruptive. In summary, the available evidence is currently insufficient to determine the role of this variant in disease. Therefore, it has been classified as a Variant of Uncertain Significance.

GeneDx
Classification: Uncertain significance. Last evaluated: 2024-10-21. Review status: criteria provided, single submitter. Criteria: GeneDx Variant Classification Process June 2021. Collection method: clinical testing. Allele origin: germline. Affected: yes.
Comment: In silico analysis indicates that this missense variant does not alter protein structure/function; Reported as a germline variant in a pediatric patient with craniopharyngioma (PMID: 34301788); This variant is associated with the following publications: (PMID: 34301788)

Fulgent Genetics
Classification: Uncertain significance for Fanconi anemia complementation group P. Last evaluated: 2024-04-23. Review status: criteria provided, single submitter. Criteria: ACMG Guidelines, 2015. Collection method: clinical testing. Allele origin: germline.

Women's Health and Genetics/Laboratory Corporation of America, LabCorp
Classification: Uncertain significance. Last evaluated: 2024-04-02. Review status: criteria provided, single submitter. Criteria: LabCorp Variant Classification Summary - May 2015. Collection method: clinical testing. Allele origin: germline.
Comment: Variant summary: SLX4 c.3671A>T (p.Glu1224Val) results in a non-conservative amino acid change in the encoded protein sequence. Four of five in-silico tools predict a benign effect of the variant on protein function. The variant allele was found at a frequency of 8e-05 in 250712 control chromosomes. This frequency does not allow for any conclusion about variant significance. To our knowledge, no occurrence of c.3671A>T in individuals affected with Fanconi Anemia and no experimental evidence demonstrating its impact on protein function have been reported. ClinVar contains an entry for this variant (Variation ID: 456312). Based on the evidence outlined above, the variant was classified as uncertain significance.

NM_032444.4(SLX4):c.3671A>T (p.Glu1224Val)

Gene: SLX4 (SLX4 structure-specific endonuclease subunit; minus strand). Cytogenetic location: 16p13.3.
Variant type: single nucleotide variant.
Coding change: c.3671A>T on transcript NM_032444.4 (MANE Select); coding-DNA position 3671, A replaced by T.
Protein change: p.Glu1224Val; replaces glutamic acid 1224 with valine.
Molecular consequence: missense variant.
Genome position (GRCh38, 1-based): chr16:3,589,967, T>A on the plus strand (A>T on the coding strand, the complement: SLX4 is on the minus strand). VCF-style: chr16-3589967-T-A. GRCh37 (hg19) VCF-style: chr16-3639968-T-A.
Other names: c.3671A>T (LRG_503t1); short protein forms E1224V.
Identifiers: ClinVar variation 456312 (VCV000456312.11), dbSNP rs566584111, ClinGen allele CA7865872.